The following is an entry in ClinVar:

ClinVar aggregate classification (germline): Pathogenic/Likely pathogenic. Review status: criteria provided, multiple submitters, no conflicts (2 of 4 stars). 5 submissions from 4 submitters: Pathogenic (2); Likely pathogenic (1). 2 of the submissions do not count toward it. Last evaluated 2025-08-26.

Conditions:
Autosomal dominant Alport syndrome (ATS3A). Also called: Alport syndrome dominant type; Renal failure and sensorineural hearing loss; ALPORT SYNDROME 3A, AUTOSOMAL DOMINANT. Identifiers: Orphanet 63, Orphanet 88918, MedGen C5882663, MONDO:0007086, OMIM 104200.
Hematuria, benign familial, 2 (BFH2). Identifiers: MedGen C5830421, MONDO:0958186, OMIM 620320.
Alport syndrome. Also called: Hemorrhagic familial nephritis; Hemorrhagic hereditary nephritis; Congenital hereditary hematuria. Identifiers: Orphanet 63, MedGen C1567741, MONDO:0018965.

gnomAD v4.1: 1 of 1,614,116 alleles (0.000062%); highest among the groups gnomAD compares: South Asian, 0.0011%; no homozygotes.

Submissions (5):

Natera, Inc.
Classification: Pathogenic for Alport syndrome. Last evaluated: 2025-08-26. Review status: criteria provided, single submitter. Criteria: Natera Variant Classification Schema (03/2026). Collection method: clinical testing. Allele origin: germline.
Comment: The c.2330G>A variant in COL4A3 is a missense variant predicted to cause substitution of glycine to aspartic acid at amino acid 777. This variant is rare in the general population with a frequency below the threshold expected for the associated phenotype(s). This variant has been observed in one or more individuals affected with the associated recessive disease, as either homozygous or compound heterozygous with a second variant (PMID: 24633401). Additionally, this variant has been observed to segregate in affected family members (PMID: 24633401). This variant is located in a functionally critical region of the protein. Computational prediction algorithms indicate this variant is likely to affect gene or protein function. Given the available evidence, this variant is classified as Pathogenic.

Labcorp Genetics (formerly Invitae), Labcorp
Classification: Pathogenic. Last evaluated: 2023-12-22. Review status: criteria provided, single submitter. Criteria: Invitae Variant Classification Sherloc (09022015). Collection method: clinical testing. Allele origin: germline.
Comment: This sequence change replaces glycine, which is neutral and non-polar, with aspartic acid, which is acidic and polar, at codon 777 of the COL4A3 protein (p.Gly777Asp). This variant is not present in population databases (gnomAD no frequency). This missense change has been observed in individual(s) with Alport syndrome (PMID: 24633401, 27904025, 35369551). In at least one individual the data is consistent with being in trans (on the opposite chromosome) from a pathogenic variant. It has also been observed to segregate with disease in related individuals. ClinVar contains an entry for this variant (Variation ID: 1699903). Advanced modeling of protein sequence and biophysical properties (such as structural, functional, and spatial information, amino acid conservation, physicochemical variation, residue mobility, and thermodynamic stability) performed at Invitae indicates that this missense variant is expected to disrupt COL4A3 protein function with a positive predictive value of 80%. For these reasons, this variant has been classified as Pathogenic.

Laboratorio de Genética Hospitales Universitarios Virgen de las Nieves y Clínico San Cecilio (Granada, Spain), Hospitales Universitarios Virgen de las Nieves y Clínico San Cecilio (Granada, Spain)
Classification: Likely pathogenic for Autosomal dominant Alport syndrome. Last evaluated: 2022-08-03. Review status: criteria provided, single submitter. Criteria: ACMG Guidelines, 2015. Collection method: clinical testing. Allele origin: germline. Inheritance: Autosomal dominant inheritance. Affected: yes. Observed: 1 variant allele.
Comment: ACMG 2015 Criteria: PP3, PM2, PM5

Biochemistry Department, Nishtar Medical University
Classification: Likely pathogenic for Autosomal dominant Alport syndrome. Last evaluated: 2024-03-22. Review status: no assertion criteria provided. Collection method: clinical testing. Allele origin: germline. Affected: yes. Observed: 1 variant allele. Not counted in ClinVar's aggregate classification.

Biochemistry Department, Nishtar Medical University
Classification: Likely pathogenic for Hematuria, benign familial, 2. Last evaluated: 2024-03-22. Review status: no assertion criteria provided. Collection method: clinical testing. Allele origin: germline. Affected: yes. Observed: 1 variant allele. Not counted in ClinVar's aggregate classification.

Literature cited by the submitters: PubMed 24633401 (cited by Natera, Inc. and Labcorp Genetics (formerly Invitae), Labcorp); PubMed 27904025 (cited by Labcorp Genetics (formerly Invitae), Labcorp and Laboratorio de Genética Hospitales Universitarios Virgen de las Nieves y Clínico San Cecilio (Granada, Spain), Hospitales Universitarios Virgen de las Nieves y Clínico San Cecilio (Granada, Spain)); PubMed 35369551 (cited by Labcorp Genetics (formerly Invitae), Labcorp).

NM_000091.5(COL4A3):c.2330G>A (p.Gly777Asp)

Genes: MFF-DT (MFF divergent transcript; minus strand), COL4A3 (collagen type IV alpha 3 chain; plus strand). Cytogenetic location: 2q36.3.
Variant type: single nucleotide variant.
Coding change: c.2330G>A on transcript NM_000091.5 (MANE Select); coding-DNA position 2330, G replaced by A.
Protein change: p.Gly777Asp; replaces glycine 777 with aspartic acid.
Molecular consequence: missense variant.
Genome position (GRCh38, 1-based): chr2:227,280,546, G>A. VCF-style: chr2-227280546-G-A. GRCh37 (hg19) VCF-style: chr2-228145262-G-A.
Other names: c.2330G>A (NM_000091.4); short protein forms G777D.
Identifiers: ClinVar variation 1699903 (VCV001699903.6), dbSNP rs2106151987, ClinGen allele CA350849250.